The following is an entry in ClinVar:

ClinVar aggregate classification (germline): Uncertain significance (1 of 4 stars; one submission).

gnomAD v4.1: 16 of 1,612,880 alleles (0.00099%); highest among the groups gnomAD compares: South Asian, 0.0011%; no homozygotes.

Submission:

Labcorp Genetics (formerly Invitae), Labcorp
Classification: Uncertain significance. Last evaluated: 2025-07-27. Review status: criteria provided, single submitter. Criteria: Invitae Variant Classification Sherloc (09022015). Collection method: clinical testing. Allele origin: germline.
Comment: This sequence change replaces alanine, which is neutral and non-polar, with valine, which is neutral and non-polar, at codon 1804 of the TRRAP protein (p.Ala1804Val). This variant is present in population databases (rs782663390, gnomAD 0.005%). This variant has not been reported in the literature in individuals affected with TRRAP-related conditions. Invitae Evidence Modeling of protein sequence and biophysical properties (such as structural, functional, and spatial information, amino acid conservation, physicochemical variation, residue mobility, and thermodynamic stability) indicates that this missense variant is not expected to disrupt TRRAP protein function with a negative predictive value of 80%. In summary, the available evidence is currently insufficient to determine the role of this variant in disease. Therefore, it has been classified as a Variant of Uncertain Significance.

NM_001375524.1(TRRAP):c.5486C>T (p.Ala1829Val)

Gene: TRRAP (transformation/transcription domain associated protein; plus strand). Cytogenetic location: 7q22.1.
Variant type: single nucleotide variant.
Coding change: c.5486C>T on transcript NM_001375524.1 (MANE Select); coding-DNA position 5486, C replaced by T.
Protein change: p.Ala1829Val; replaces alanine 1829 with valine.
Molecular consequence: missense variant.
Genome position (GRCh38, 1-based): chr7:98,953,189, C>T. VCF-style: chr7-98953189-C-T. GRCh37 (hg19) VCF-style: chr7-98550812-C-T.
Other names: c.5465C>T, p.Ala1822Val (NM_001244580.2); c.5411C>T, p.Ala1804Val (NM_003496.4); short protein forms A1829V, A1804V, A1822V.
Identifiers: ClinVar variation 4767229 (VCV004767229.1).